The following is an entry in ClinVar:

ClinVar aggregate classification (germline): Uncertain significance (1 of 4 stars; one submission).

Submission:

GeneDx
Classification: Uncertain significance. Last evaluated: 2024-06-27. Review status: criteria provided, single submitter. Criteria: GeneDx Variant Classification Process June 2021. Collection method: clinical testing. Allele origin: germline. Affected: yes.
Comment: Frameshift variant predicted to result in protein truncation or nonsense mediated decay in a gene for which loss of function is a known mechanism of disease; Has not been previously published as pathogenic or benign to our knowledge

NM_001297595.2(SIN3B):c.1266+334del

Gene: SIN3B (SIN3 transcription regulator family member B; plus strand). Cytogenetic location: 19p13.11.
Variant type: Deletion.
Coding change: c.1266+334del on transcript NM_001297595.2 (MANE Select); 334 bases into the intron after coding-DNA position 1266, one base deleted (T; older notation c.1266+334delT).
Molecular consequence: intron variant. On other transcripts: frameshift variant (1).
Genome position (GRCh38, 1-based): chr19:16,862,893, T deleted; the last of 2 consecutive T bases (chr19:16,862,892-16,862,893); deleting either gives the same sequence. VCF-style (leftmost placement, unchanged base first): chr19-16862891-AT-A. GRCh37 (hg19) VCF-style: chr19-16973702-AT-A.
Other names: c.1276del, p.Trp426fs (NM_015260.4); short protein forms W426fs.
Identifiers: ClinVar variation 3392604 (VCV003392604.1).